The following is an entry in ClinVar:

NM_001267550.2(TTN):c.80700A>G (p.Glu26900=)

Genes: TTN (titin; minus strand), TTN-AS1 (TTN antisense RNA 1; plus strand). Cytogenetic location: 2q31.2.
Variant type: single nucleotide variant.
Coding change: c.80700A>G on transcript NM_001267550.2 (MANE Select); coding-DNA position 80700, A replaced by G.
Protein change: p.Glu26900=; no amino-acid change (glutamic acid 26900 retained).
Molecular consequence: synonymous variant.
Genome position (GRCh38, 1-based): chr2:178,565,432, T>C on the plus strand (A>G on the coding strand, the complement: TTN is on the minus strand). VCF-style: chr2-178565432-T-C. GRCh37 (hg19) VCF-style: chr2-179430159-T-C.
Other names: c.75777A>G, p.Glu25259= (NM_001256850.1); c.53505A>G, p.Glu17835= (NM_003319.4); c.72996A>G, p.Glu24332= (NM_133378.4); c.53880A>G, p.Glu17960= (NM_133432.3); c.54081A>G, p.Glu18027= (NM_133437.4).
Identifiers: ClinVar variation 192202 (VCV000192202.1), dbSNP rs751557221, ClinGen allele CA200070.

ClinVar aggregate classification (germline): Benign (1 of 4 stars; one submission).

Submission:

Biesecker Lab/Clinical Genomics Section, National Institutes of Health
Classification: Benign. Last evaluated: 2013-06-24. Review status: criteria provided, single submitter. Criteria: Ng et al. (Circ Cardiovasc Genet. 2013). Collection method: research. Allele origin: unknown. Observed: 7 variant alleles. Study: ClinSeq.
Comment: The study set was not selected for affection status in relation to any cancer. Pathogenicity categories were based on literature curation. See Pubmed ID:23861362 for details.

Medical sequencing